The following is an entry in ClinVar:

NM_198578.4(LRRK2):c.7229A>T (p.Tyr2410Phe)

Gene: LRRK2 (leucine rich repeat kinase 2; plus strand). Cytogenetic location: 12q12.
Variant type: single nucleotide variant.
Coding change: c.7229A>T on transcript NM_198578.4 (MANE Select); coding-DNA position 7229, A replaced by T.
Protein change: p.Tyr2410Phe; replaces tyrosine 2410 with phenylalanine.
Molecular consequence: missense variant.
Genome position (GRCh38, 1-based): chr12:40,364,889, A>T. VCF-style: chr12-40364889-A-T. GRCh37 (hg19) VCF-style: chr12-40758691-A-T.
Other names: short protein forms Y2410F.
Identifiers: ClinVar variation 1757791 (VCV001757791.2), dbSNP rs2500037414, ClinGen allele CA384414668.

ClinVar aggregate classification (germline): Uncertain significance (1 of 4 stars; one submission).

Conditions:
Inborn genetic diseases. Identifiers: MedGen C0950123, MeSH D030342.

Allele frequency attached by ClinVar (database versions not stated): gnomAD exomes below 0.00001.
gnomAD v4.1: 1 of 1,612,404 alleles (0.000062%); no homozygotes.

Submission:

Ambry Genetics
Classification: Uncertain significance for Inborn genetic diseases. Last evaluated: 2022-06-28. Review status: criteria provided, single submitter. Criteria: Ambry Variant Classification Scheme 2023. Collection method: clinical testing. Allele origin: germline.
Comment: The p.Y2410F variant (also known as c.7229A>T), located in coding exon 49 of the LRRK2 gene, results from an A to T substitution at nucleotide position 7229. The tyrosine at codon 2410 is replaced by phenylalanine, an amino acid with highly similar properties. This amino acid position is conserved. In addition, the in silico prediction for this alteration is inconclusive. Since supporting evidence is limited at this time, the clinical significance of this alteration remains unclear.